The following is an entry in ClinVar:

NM_002855.5(NECTIN1):c.1422C>T (p.Ala474=)

Gene: NECTIN1 (nectin cell adhesion molecule 1; minus strand). Cytogenetic location: 11q23.3.
Variant type: single nucleotide variant.
Coding change: c.1422C>T on transcript NM_002855.5 (MANE Select); coding-DNA position 1422, C replaced by T.
Protein change: p.Ala474=; no amino-acid change (alanine 474 retained).
Molecular consequence: synonymous variant. On other transcripts: intron variant (1).
Genome position (GRCh38, 1-based): chr11:119,664,879, G>A on the plus strand (C>T on the coding strand, the complement: NECTIN1 is on the minus strand). VCF-style: chr11-119664879-G-A. GRCh37 (hg19) VCF-style: chr11-119535589-G-A.
Other names: c.1003+10280C>T (NM_203285.2).
Identifiers: ClinVar variation 878434 (VCV000878434.6), dbSNP rs763407766, ClinGen allele CA6321792.
Genomic context (GRCh38, chr11:119,664,879, plus strand): 5'-CTGCTCAGGGTCGTACTGGTAGCCCAGAGTCCGGTCCCCGTAGCCGTCCTGACGGGCCTC[G>A]GCCTCATCCACGGTGAAGTAGGGCCGCTTGGCGTCCTCGTCATATTTGGGGTGGGGGCCG-3'
Protein context (NP_002846.3, residues 464-484): AKRPYFTVDE[Ala474=]EARQDGYGDR

ClinVar aggregate classification (germline): Conflicting classifications of pathogenicity. Review status: criteria provided, conflicting classifications (1 of 4 stars). 2 submissions from 2 submitters: Uncertain significance (1); Likely benign (1). Last evaluated 2025-01-24.

Conditions:
NECTIN1-related disorder. Also called: NECTIN1-related condition.
Cleft lip/palate-ectodermal dysplasia syndrome (CLPED1). Also called: Zlotogora syndrome; ECTODERMAL DYSPLASIA, CLEFT LIP AND PALATE, MENTAL RETARDATION, AND SYNDACTYLY; ECTODERMAL DYSPLASIA, MARGARITA ISLAND TYPE; ECTODERMAL DYSPLASIA, TYPE 4; ZLOTOGORA-OGUR SYNDROME. Identifiers: Orphanet 3253, MedGen C2931488, MONDO:0009151, OMIM 225060.

Allele frequency attached by ClinVar (database versions not stated): gnomAD 0.00002 and 0.00003; TOPMed 0.00002; ExAC 0.00005; gnomAD exomes 0.00005 and 0.00006.
gnomAD v4.1: 69 of 1,613,890 alleles (0.0043%); highest among the groups gnomAD compares: South Asian, 0.023%; 2 homozygotes.

Submissions (2):

PreventionGenetics, part of Exact Sciences
Classification: Likely benign for NECTIN1-related condition. Last evaluated: 2025-01-24. Review status: criteria provided, single submitter. Criteria: ACMG Guidelines, 2015. Collection method: clinical testing. Allele origin: germline.
Comment: This variant is classified as likely benign based on ACMG/AMP sequence variant interpretation guidelines (Richards et al. 2015 PMID: 25741868, with internal and published modifications).

Illumina Laboratory Services, Illumina
Classification: Uncertain significance for Cleft lip/palate-ectodermal dysplasia syndrome. Last evaluated: 2018-01-13. Review status: criteria provided, single submitter. Criteria: ICSL Variant Classification Criteria 13 December 2019. Collection method: clinical testing. Allele origin: germline.